The following is an entry in ClinVar:

ClinVar aggregate classification (germline): Uncertain significance. Review status: criteria provided, multiple submitters, no conflicts (2 of 4 stars). 2 submissions from 2 submitters: Uncertain significance (2). Last evaluated 2025-06-28.

Conditions:
Inborn genetic diseases. Identifiers: MedGen C0950123, MeSH D030342.

Submissions (2):

Ambry Genetics
Classification: Uncertain significance for Inborn genetic diseases. Last evaluated: 2025-06-28. Review status: criteria provided, single submitter. Criteria: Ambry Variant Classification Scheme 2023. Collection method: clinical testing. Allele origin: germline.
Comment: The p.A354T variant (also known as c.1060G>A), located in coding exon 1 of the SAMD9L gene, results from a G to A substitution at nucleotide position 1060. The alanine at codon 354 is replaced by threonine, an amino acid with similar properties. This amino acid position is conserved. In addition, this alteration is predicted to be tolerated by in silico analysis. Based on the available evidence, the clinical significance of this variant remains unclear.

Labcorp Genetics (formerly Invitae), Labcorp
Classification: Uncertain significance. Last evaluated: 2024-12-23. Review status: criteria provided, single submitter. Criteria: Invitae Variant Classification Sherloc (09022015). Collection method: clinical testing. Allele origin: germline.
Comment: This sequence change replaces alanine, which is neutral and non-polar, with threonine, which is neutral and polar, at codon 354 of the SAMD9L protein (p.Ala354Thr). This variant is not present in population databases (gnomAD no frequency). This variant has not been reported in the literature in individuals affected with SAMD9L-related conditions. An algorithm developed to predict the effect of missense changes on protein structure and function (PolyPhen-2) suggests that this variant is likely to be disruptive. In summary, the available evidence is currently insufficient to determine the role of this variant in disease. Therefore, it has been classified as a Variant of Uncertain Significance.

NM_152703.5(SAMD9L):c.1060G>A (p.Ala354Thr)

Gene: SAMD9L (sterile alpha motif domain containing 9 like; minus strand). Cytogenetic location: 7q21.2.
Variant type: single nucleotide variant.
Coding change: c.1060G>A on transcript NM_152703.5 (MANE Select); coding-DNA position 1060, G replaced by A.
Protein change: p.Ala354Thr; replaces alanine 354 with threonine.
Molecular consequence: missense variant.
Genome position (GRCh38, 1-based): chr7:93,134,912, C>T on the plus strand (G>A on the coding strand, the complement: SAMD9L is on the minus strand). VCF-style: chr7-93134912-C-T. GRCh37 (hg19) VCF-style: chr7-92764225-C-T.
Other names: c.1060G>A, p.Ala354Thr (NM_001303496.3, NM_001303497.3, NM_001303498.3 and 5 more transcripts); c.1060G>A (NM_152703.2); short protein forms A354T.
Identifiers: ClinVar variation 3727873 (VCV003727873.3).